The following is an entry in ClinVar:

ClinVar aggregate classification (germline): Benign/Likely benign. Review status: criteria provided, multiple submitters, no conflicts (2 of 4 stars). 8 submissions from 8 submitters: Benign (2); Likely benign (6). Last evaluated 2025-01-01.

Conditions:
Dystonia, early-onset, and/or spastic paraplegia. Identifiers: MedGen C5562051, MONDO:0859215, OMIM 619681.
Inborn genetic diseases. Identifiers: MedGen C0950123, MeSH D030342.
Koolen-de Vries syndrome (KDVS). Identifiers: Orphanet 96169, MedGen C1864871, MONDO:0012496, OMIM 610443.

Allele frequency attached by ClinVar (database versions not stated): ExAC 0.00017; 1000 Genomes Project 0.00020; gnomAD exomes 0.00026; ESP Exome Variant Server 0.00031; TOPMed 0.00039; gnomAD 0.00040 and 0.00042; 1000 Genomes Project 30x 0.00016.
gnomAD v4.1: 1,069 of 1,604,922 alleles (0.067%); highest among the groups gnomAD compares: Non-Finnish European, 0.087%; no homozygotes.

Submissions (9):

CeGaT Center for Human Genetics Tuebingen
Classification: Likely benign. Last evaluated: 2025-01-01. Review status: criteria provided, single submitter. Criteria: CeGaT Center For Human Genetics Tuebingen Variant Classification Criteria Version 2. Collection method: clinical testing. Allele origin: germline. Affected: yes. Observed: 2 variant alleles.
Comment: KANSL1: BP4, BS2

Labcorp Genetics (formerly Invitae), Labcorp
Classification: Benign for Koolen-de Vries syndrome. Last evaluated: 2024-06-03. Review status: criteria provided, single submitter. Criteria: Invitae Variant Classification Sherloc (09022015). Collection method: clinical testing. Allele origin: germline.

ARUP Laboratories, Molecular Genetics and Genomics, ARUP Laboratories
Classification: Likely benign for Koolen-de Vries syndrome. Last evaluated: 2024-02-12. Review status: criteria provided, single submitter. Criteria: ARUP Molecular Germline Variant Investigation Process 2024. Collection method: clinical testing. Allele origin: germline.

Ambry Genetics
Classification: Likely benign for Inborn genetic diseases. Last evaluated: 2022-01-04. Review status: criteria provided, single submitter. Criteria: Ambry Variant Classification Scheme 2023. Collection method: clinical testing. Allele origin: germline.

Fulgent Genetics
Classification: Likely benign for Koolen-de Vries syndrome. Last evaluated: 2021-07-19. Review status: criteria provided, single submitter. Criteria: ACMG Guidelines, 2015. Collection method: clinical testing. Allele origin: unknown.

GeneDx
Classification: Benign. Last evaluated: 2021-01-21. Review status: criteria provided, single submitter. Criteria: GeneDx Variant Classification Process June 2021. Collection method: clinical testing. Allele origin: germline. Affected: yes.

Cambridge Genomics Laboratory, East Genomic Laboratory Hub, NHS Genomic Medicine Service
Classification: Likely benign for Dystonia, early-onset, and/or spastic paraplegia. Last evaluated: 2020-05-29. Review status: criteria provided, single submitter. Criteria: ACGS Best Practice Guidelines for Variant Classification in Rare Disease 2020. Collection method: clinical testing. Allele origin: germline. Affected: yes. Observed: 1 variant allele.

Athena Diagnostics
Classification: Likely benign. Last evaluated: 2017-06-22. Review status: criteria provided, single submitter. Criteria: Athena Diagnostics Criteria. Collection method: clinical testing. Allele origin: germline.

Dr. Peter K. Rogan Lab, Western University
No classification provided (evidence only). Condition: Melanoma. Review status: no classification provided. Collection method: in vitro. Allele origin: not applicable. Functional consequence: retained intron. Not counted in ClinVar's aggregate classification.

NM_015443.4(KANSL1):c.571G>T (p.Gly191Cys)

Gene: KANSL1 (KAT8 regulatory NSL complex subunit 1). Cytogenetic location: 17q21.31.
Variant type: single nucleotide variant.
Coding change: c.571G>T on transcript NM_015443.4 (MANE Select); coding-DNA position 571, G replaced by T.
Protein change: p.Gly191Cys; replaces glycine 191 with cysteine.
Molecular consequence: missense variant.
Genome position (GRCh38, 1-based): chr17:46,171,573, C>A on the plus strand (G>T on the coding strand, the complement: KANSL1 is on the minus strand). VCF-style: chr17-46171573-C-A. GRCh37 (hg19) VCF-style: chr17-44248939-C-A.
Other names: p.G191C:GGT>TGT; c.571G>T, p.Gly191Cys (NM_001193465.2, NM_001193466.2, NM_001379198.1); short protein forms G191C.
Identifiers: ClinVar variation 205770 (VCV000205770.44), dbSNP rs149566146, ClinGen allele CA315166.
Genomic context (GRCh38, chr17:46,171,573, plus strand): 5'-GAAGAGTGCAATTGGTCATACCCCCCTTCAAGTCCCCAGATTCAGATCCTCCCATTTCAC[C>A]CCCATGAAGAGCAGATGAAGTGAGAGCCCGTTTTCCCCCATTGAGGGAAGTGGAATTGTC-3'
Protein context (NP_056258.1, residues 181-201): RALTSSALHG[Gly191Cys]EMGGSESGDL